The following is an entry in ClinVar:

ClinVar aggregate classification (germline): Likely pathogenic (1 of 4 stars; one submission).

Conditions:
Autosomal recessive nonsyndromic hearing loss 77. Identifiers: Orphanet 90636, MedGen C2746083, MONDO:0013119, OMIM 613079.

Submission:

Natera, Inc.
Classification: Likely pathogenic for Autosomal recessive deafness type 77. Last evaluated: 2024-07-26. Review status: criteria provided, single submitter. Criteria: Natera Variant Classification Schema (03/2026). Collection method: clinical testing. Allele origin: germline.
Comment: The c.1676_1679del variant in LOXHD1 is a frameshift variant predicted to shift the reading frame beginning at codon 559 and leads to a stop codon 58 codons downstream. This variant is expected to result in nonsense mediated decay, truncation, or a dysfunctional protein product. This variant is rare in the general population with a frequency below the threshold expected for the associated phenotype(s). Given the available evidence, this variant is classified as Likely Pathogenic.

NM_001384474.1(LOXHD1):c.1676_1679del (p.Val559fs)

Gene: LOXHD1 (lipoxygenase homology PLAT domains 1; minus strand). Cytogenetic location: 18q21.1.
Variant type: Microsatellite.
Coding change: c.1676_1679del on transcript NM_001384474.1 (MANE Select); coding-DNA positions 1676 to 1679, 4 bases deleted (TGTG; older notation c.1676_1679delTGTG).
Protein change: p.Val559fs; shifts the reading frame from valine 559.
Molecular consequence: frameshift variant.
Genome position (GRCh38, 1-based): chr18:46,579,760-46,579,763, CACA deleted on the plus strand (TGTG on the coding strand, the reverse complement: LOXHD1 is on the minus strand); deleting any 4 consecutive bases within chr18:46,579,760-46,579,765 gives the same sequence; the c. name uses the placement nearest the transcript's 3' end. VCF-style (leftmost placement, unchanged base first): chr18-46579759-GCACA-G. GRCh37 (hg19) VCF-style: chr18-44159722-GCACA-G.
Other names: c.1676_1679del, p.Val559fs (NM_144612.7); short protein forms V559fs.
Identifiers: ClinVar variation 4816816 (VCV004816816.1).